The following is an entry in ClinVar:

ClinVar aggregate classification (germline): Pathogenic (1 of 4 stars; one submission).

Conditions:
Charcot-Marie-Tooth disease, type I (CMT1). Also called: Charcot-Marie-Tooth disease type 1; Charcot-Marie-Tooth, Type 1. Identifiers: Orphanet 65753, MedGen C0751036, MONDO:0019011.

Submission:

Labcorp Genetics (formerly Invitae), Labcorp
Classification: Pathogenic for Charcot-Marie-Tooth disease, type I. Last evaluated: 2024-06-30. Review status: criteria provided, single submitter. Criteria: Invitae Variant Classification Sherloc (09022015). Collection method: clinical testing. Allele origin: germline.
Comment: This variant results in the deletion of part of exon 3 (c.160_178+78delinsGGAC) of the PMP22 gene. It is expected to disrupt RNA splicing. Variants that disrupt the donor or acceptor splice site typically lead to a loss of protein function (PMID: 16199547), and loss-of-function variants in PMP22 are known to be pathogenic (PMID: 23224996). This variant is not present in population databases (gnomAD no frequency). This variant has been observed in individual(s) with clinical features of PMP22-related conditions (Invitae). It has also been observed to segregate with disease in related individuals. For these reasons, this variant has been classified as Pathogenic.

Literature cited by the submitters: PubMed 16199547; PubMed 23224996.

NM_000304.4(PMP22):c.160_178+78delinsGGAC

Gene: PMP22 (peripheral myelin protein 22; minus strand). Cytogenetic location: 17p12.
Variant type: Indel.
Coding change: c.160_178+78delinsGGAC on transcript NM_000304.4 (MANE Select); coding-DNA position 160 through 78 bases into the intron after coding-DNA position 178, the reference bases replaced by GGAC.
Molecular consequence: splice donor variant.
Genome position (GRCh38, 1-based): chr17:15,259,016-15,259,112, 97 bases replaced. GRCh37 (hg19): chr17:15,162,333-15,162,429.
Other names: c.160_178+78delinsGGAC (NM_001281456.2, NM_153321.3, NM_001281455.2 and 2 more transcripts).
Identifiers: ClinVar variation 2709503 (VCV002709503.3), dbSNP rs2508210150, ClinGen allele CA2697559426.